The following is an entry in ClinVar:

NM_000399.5(EGR2):c.601G>T (p.Ala201Ser)

Gene: EGR2 (early growth response 2; minus strand). Cytogenetic location: 10q21.3.
Variant type: single nucleotide variant.
Coding change: c.601G>T on transcript NM_000399.5 (MANE Select); coding-DNA position 601, G replaced by T.
Protein change: p.Ala201Ser; replaces alanine 201 with serine.
Molecular consequence: missense variant.
Genome position (GRCh38, 1-based): chr10:62,814,037, C>A on the plus strand (G>T on the coding strand, the complement: EGR2 is on the minus strand). VCF-style: chr10-62814037-C-A. GRCh37 (hg19) VCF-style: chr10-64573797-C-A.
Other names: c.601G>T, p.Ala201Ser (NM_001136177.3, NM_001136178.2); c.451G>T, p.Ala151Ser (NM_001136179.3, NM_001321037.2); short protein forms A151S, A201S.
Identifiers: ClinVar variation 958313 (VCV000958313.9), dbSNP rs1697158798, ClinGen allele CA377029759.

ClinVar aggregate classification (germline): Uncertain significance (1 of 4 stars; one submission).

Conditions:
Charcot-Marie-Tooth disease, type I (CMT1). Also called: Charcot-Marie-Tooth disease type 1; Charcot-Marie-Tooth, Type 1. Identifiers: Orphanet 65753, MedGen C0751036, MONDO:0019011.

Submission:

Labcorp Genetics (formerly Invitae), Labcorp
Classification: Uncertain significance for Charcot-Marie-Tooth disease, type I. Last evaluated: 2022-09-19. Review status: criteria provided, single submitter. Criteria: Invitae Variant Classification Sherloc (09022015). Collection method: clinical testing. Allele origin: germline.
Comment: In summary, the available evidence is currently insufficient to determine the role of this variant in disease. Therefore, it has been classified as a Variant of Uncertain Significance. Advanced modeling of protein sequence and biophysical properties (such as structural, functional, and spatial information, amino acid conservation, physicochemical variation, residue mobility, and thermodynamic stability) performed at Invitae indicates that this missense variant is not expected to disrupt EGR2 protein function. ClinVar contains an entry for this variant (Variation ID: 958313). This variant has not been reported in the literature in individuals affected with EGR2-related conditions. This variant is not present in population databases (gnomAD no frequency). This sequence change replaces alanine, which is neutral and non-polar, with serine, which is neutral and polar, at codon 201 of the EGR2 protein (p.Ala201Ser).